The following is an entry in ClinVar:

NM_000313.4(PROS1):c.199G>A (p.Glu67Lys)

Gene: PROS1 (protein S; minus strand). Cytogenetic location: 3q11.1.
Variant type: single nucleotide variant.
Coding change: c.199G>A on transcript NM_000313.4 (MANE Select); coding-DNA position 199, G replaced by A.
Protein change: p.Glu67Lys; replaces glutamic acid 67 with lysine.
Molecular consequence: missense variant.
Genome position (GRCh38, 1-based): chr3:93,927,285, C>T on the plus strand (G>A on the coding strand, the complement: PROS1 is on the minus strand). VCF-style: chr3-93927285-C-T. GRCh37 (hg19) VCF-style: chr3-93646129-C-T.
Other names: p.Glu67Lys; c.295G>A, p.Glu99Lys (NM_001314077.2); short protein forms E67K, E99K.
Identifiers: ClinVar variation 2683296 (VCV002683296.1), dbSNP rs2471793830, ClinGen allele CA353674482.

ClinVar aggregate classification (germline): Likely pathogenic (1 of 4 stars; one submission).

Submission:

Mayo Clinic Laboratories, Mayo Clinic
Classification: Likely pathogenic. Last evaluated: 2022-11-01. Review status: criteria provided, single submitter. Criteria: ACMG Guidelines, 2015. Collection method: clinical testing. Allele origin: germline. Observed: 1 variant allele.
Comment: PP3, PM1, PM2, PM5